The following is an entry in ClinVar:

ClinVar aggregate classification (germline): Pathogenic/Likely pathogenic. Review status: criteria provided, multiple submitters, no conflicts (2 of 4 stars). 16 submissions from 16 submitters: Pathogenic (11); Likely pathogenic (3). 2 of the submissions do not count toward it. Last evaluated 2026-01-30.

Conditions:
Spondylocarpotarsal synostosis syndrome (SCT). Also called: Spondylocarpotarsal Synostosis Syndrome (FLNB-SCT); SPONDYLOCARPOTARSAL SYNDROME; VERTEBRAL FUSION WITH CARPAL COALITION; Synspondylism congenital; Scoliosis, congenital with unilateral unsegmented bar. Identifiers: Orphanet 3275, MedGen C1848934, MONDO:0010094, OMIM 272460.
Contractures, pterygia, and spondylocarpotarsal fusion syndrome 1A (CPSFS1A). Also called: MULTIPLE PTERYGIUM SYNDROME, AUTOSOMAL DOMINANT; Distal arthrogryposis type 8; Contractures, pterygia, and variable skeletal fusions syndrome 1A. Identifiers: Orphanet 65743, MedGen C1867440, MONDO:0008338, OMIM 178110.
MYH3-related disorder. Also called: MYH3-related condition; MYH3-Related Disorders. Identifiers: MedGen CN239329.
Contractures, pterygia, and variable skeletal fusions syndrome 1B. Also called: CONTRACTURES, PTERYGIA, AND SPONDYLOCARPOTARSAL FUSION SYNDROME 1B. Identifiers: MedGen C5193114, MONDO:0020746, OMIM 618469.

Allele frequency attached by ClinVar (database versions not stated): 1000 Genomes Project 0.00040; TOPMed 0.00050; gnomAD 0.00115 and 0.00117; 1000 Genomes Project 30x 0.00125.

Submissions 1 to 10 of 16:

PreventionGenetics, part of Exact Sciences
Classification: Pathogenic for MYH3-related condition. Last evaluated: 2026-01-30. Review status: criteria provided, single submitter. Criteria: ACMG Guidelines, 2015. Collection method: clinical testing. Allele origin: germline.
Comment: The MYH3 c.-9+1G>A variant is located in the 5' untranslated region. This variant has been reported in the compound heterozygous state in at least six individuals from three different families with autosomal recessive spondylocarpotarsal synostosis syndrome (Cameron-Christie et al 2018. PubMed ID: 29805041). This variant was also detected in the compound heterozygous state in patients with MYH3-associated conditions (Hakonen et al. 2020. PubMed ID: 32902138; Dahan-Oliel et al. 2021. PubMed ID: 34440395; Zhao et al. 2022. PubMed ID: 35169139; Supplementary Table 2, Marouane et al. 2024. PubMed ID: 38259611). In addition, functional evidence supports that this variant results in aberrant splicing and reduced translational efficiency (Cameron-Christie et al 2018. PubMed ID: 29805041). Although this variant has an allele frequency up to 1.1% in Finnish Europeans, this variant is suggested to be a hypomorphic allele. In summary, this variant is interpreted as pathogenic.

Labcorp Genetics (formerly Invitae), Labcorp
Classification: Pathogenic. Last evaluated: 2026-01-29. Review status: criteria provided, single submitter. Criteria: Invitae Variant Classification Sherloc (09022015). Collection method: clinical testing. Allele origin: germline.
Comment: This variant occurs in a non-coding region of the MYH3 gene. It does not change the encoded amino acid sequence of the MYH3 protein. It affects a nucleotide within the consensus splice site. This variant is present in population databases (rs557849165, gnomAD 1.0%), and has an allele count higher than expected for a pathogenic variant. This variant has been observed in individual(s) with clinical features of autosomal recessive MYH3-related conditions (PMID: 29805041, 32902138; internal data). In at least one individual the data is consistent with being in trans (on the opposite chromosome) from a pathogenic variant. It has also been observed to segregate with disease in related individuals. ClinVar contains an entry for this variant (Variation ID: 587706). Studies have shown that this variant alters MYH3 gene expression (PMID: 29805041). Variants that disrupt the consensus splice site are a relatively common cause of aberrant splicing (PMID: 17576681, 9536098). Algorithms developed to predict the effect of sequence changes on RNA splicing suggest that this variant may disrupt the consensus splice site. For these reasons, this variant has been classified as Pathogenic.

Dasa
Classification: Pathogenic. Last evaluated: 2025-12-30. Review status: criteria provided, single submitter. Criteria: DASA Assertion Criteria. Collection method: clinical testing. Allele origin: germline.
Comment: NM_002470.4(MYH3):c.-9+1G>A affects a canonical splice site and is predicted to disrupt normal RNA splicing, leading to loss of normal protein function. Loss-of-function is an established mechanism of disease for this gene. This variant has been recurrently observed in affected individuals with related phenotype in a genotype context consistent with recessive disease (PMID: 35169139; PMID: 32902138; PMID: 29805041). Functional evidence supports a deleterious effect on the gene or gene product (PMID: 35169139; PMID: 32902138; PMID: 29805041). The variant is present at low frequency in population datasets. Based on the available data, this variant is classified as pathogenic.

GeneDx
Classification: Pathogenic. Last evaluated: 2025-11-24. Review status: criteria provided, single submitter. Criteria: GeneDx Variant Classification Process June 2021. Collection method: clinical testing. Allele origin: germline. Affected: yes.
Comment: RNA studies demonstrate a damaging effect resulting in reduction of translational efficiency (PMID: 29805041); This variant is associated with the following publications: (PMID: 34440395, 33726816, Sergi2022[casereport], 34204301, 38444278, 37273706, 29805041, 32902138, 35169139, 40848153)

Women's Health and Genetics/Laboratory Corporation of America, LabCorp
Classification: Pathogenic for MYH3-related disorder. Last evaluated: 2025-10-15. Review status: criteria provided, single submitter. Criteria: LabCorp Variant Classification Summary - May 2015. Collection method: clinical testing. Allele origin: germline.
Comment: Variant summary: MYH3 c.-9+1G>A is located in a canonical splice-site and is predicted to affect mRNA splicing resulting in a significantly altered protein due to either exon skipping, shortening, or inclusion of intronic material. Variants that disrupt the consensus splice site are a relatively common cause of aberrant splicing and loss of MYH3 function. Several computational tools predict a significant impact on normal splicing: Four predict the variant abolishes a 5 splicing donor site. At least one publication reports experimental evidence that this variant affects mRNA splicing and results in loss of part of 5'-UTR sequence (Cameron-Christie_2018). The variant allele was found at a frequency of 0.0027 in 31404 control chromosomes (gnomAD). The observed variant frequency exceeds the estimated maximal expected allele frequency for disease-causing variants in MYH3. c.-9+1G>A has been reported in the literature and found in our internal database in individuals affected with MYH3-Related Disorders in compound heterozygous or heterozygous status. These reports do not provide unequivocal conclusions about association of the variant with MYH3-Related Disorders. At least one publication reports experimental evidence evaluating an impact on protein function. This variant leads to a translational efficiency of 54% relative to that of the wild-type (Cameron-Christie_2018. The following publications have been ascertained in the context of this evaluation (PMID: 29805041, 34440395, 32902138, 34204301, 33726816, 35169139). ClinVar contains an entry for this variant (Variation ID: 587706). Based on the evidence outlined above, the variant was classified as pathogenic.

Revvity Omics, Revvity
Classification: Pathogenic. Last evaluated: 2025-05-28. Review status: criteria provided, single submitter. Criteria: ACMG Guidelines, 2015. Collection method: clinical testing. Allele origin: germline.

Variantyx, Inc.
Classification: Pathogenic for Contractures, pterygia, and variable skeletal fusions syndrome 1B. Last evaluated: 2025-03-25. Review status: criteria provided, single submitter. Criteria: Variantyx Assertion Criteria 2022. Collection method: clinical testing. Allele origin: germline. Inheritance: Autosomal recessive inheritance.
Comment: This is a canonical splicing variant in the 5'-UTR of the MYH3 gene (OMIM: 160720). Pathogenic variants in this gene have been associated with autosomal recessive contractures, pterygia, and spondylocarpotarsal fusion syndrome 1B. There is functional evidance for this variant being a hypomorphic allele when in trans with a null allele (PMID: 29805041). This variant has been reported in the compound heterozygous state in many unrelated affected individuals (PMID: 29805041, 32902138, 34440395) (PM3) and it has been observed to segregate with disease in at least 5 individuals from 4 families (PMID: 29805041, 32902138) (PP1_Strong). This variant has a 0.1036% maximum allele frequency in non-founder control populations. Based on the current evidence, this variant is classified as pathogenic for autosomal recessive contractures, pterygia, and spondylocarpotarsal fusion syndrome 1B.

3billion
Classification: Pathogenic for Contractures, pterygia, and variable skeletal fusions syndrome 1B. Last evaluated: 2025-02-07. Review status: criteria provided, single submitter. Criteria: ACMG Guidelines, 2015. Collection method: clinical testing. Allele origin: germline. Affected: yes.
Comment: The variant is observed at an extremely low frequency in the gnomAD v4.1.0 dataset (total allele frequency: 0.114%). Predicted Consequence/Location: Canonical splice site: predicted to alter splicing and result in a loss or disruption of normal protein function. Multiple pathogenic loss-of-function variants are reported downstream of the variant. In silico tools predict the variant to alter splicing and produce an abnormal transcript [SpliceAI: 0.92 (spliceogenicity >=0.2, non-spliceogenicity <0.1)]. The variant has been reported at least twice as pathogenic with clinical assertions and evidence for the classification (ClinVar ID: VCV000587706 /PMID: 29805041 /3billion dataset). Therefore, this variant is classified as Pathogenic according to the recommendation of ACMG/AMP guideline.

First Genomix Gene Laboratory, Genetic Diagnostics Department
Classification: Pathogenic for Contractures, pterygia, and variable skeletal fusions syndrome 1B. Last evaluated: 2025-01-21. Review status: criteria provided, single submitter. Criteria: ACMG Guidelines, 2015. Collection method: clinical testing. Allele origin: germline. Inheritance: Autosomal recessive inheritance. Affected: no. Observed: 1 variant allele.

Blueprint Genetics
Classification: Pathogenic for MYH3-related disorders. Last evaluated: 2024-10-28. Review status: criteria provided, single submitter. Criteria: ACMG Guidelines, 2015. Collection method: clinical testing. Allele origin: germline. Affected: yes. Observed: 5 variant alleles.

NM_002470.4(MYH3):c.-9+1G>A

Gene: MYH3 (myosin heavy chain 3; minus strand). Cytogenetic location: 17p13.1.
Variant type: single nucleotide variant.
Coding change: c.-9+1G>A on transcript NM_002470.4 (MANE Select); the canonical splice donor site of the intron after 9 bases upstream of the start codon, G replaced by A.
Molecular consequence: splice donor variant.
Genome position (GRCh38, 1-based): chr17:10,656,089, C>T on the plus strand (G>A on the coding strand, the complement: MYH3 is on the minus strand). VCF-style: chr17-10656089-C-T. GRCh37 (hg19) VCF-style: chr17-10559406-C-T.
Identifiers: ClinVar variation 587706 (VCV000587706.54), dbSNP rs557849165, ClinGen allele CA287758438.